The following is an entry in ClinVar:

ClinVar aggregate classification (germline): Pathogenic. Review status: criteria provided, multiple submitters, no conflicts (2 of 4 stars). 2 submissions from 2 submitters: Pathogenic (2). Last evaluated 2024-05-02.

Submissions (2):

Labcorp Genetics (formerly Invitae), Labcorp
Classification: Pathogenic. Last evaluated: 2024-05-02. Review status: criteria provided, single submitter. Criteria: Invitae Variant Classification Sherloc (09022015). Collection method: clinical testing. Allele origin: germline.
Comment: This sequence change creates a premature translational stop signal (p.Gly391Valfs*7) in the ACAN gene. It is expected to result in an absent or disrupted protein product. Loss-of-function variants in ACAN are known to be pathogenic (PMID: 16080123, 24762113). This variant is not present in population databases (gnomAD no frequency). This premature translational stop signal has been observed in individual(s) with short stature (PMID: 35001504). ClinVar contains an entry for this variant (Variation ID: 817500). Algorithms developed to predict the effect of sequence changes on RNA splicing suggest that this variant may create or strengthen a splice site. For these reasons, this variant has been classified as Pathogenic.

GeneDx
Classification: Pathogenic. Last evaluated: 2019-03-23. Review status: criteria provided, single submitter. Criteria: GeneDx Variant Classification (06012015). Collection method: clinical testing. Allele origin: germline. Affected: yes.
Comment: The c.1172delG pathogenic variant in the ACAN gene has not been reported previously as a pathogenic variant, nor as a benign variant, to our knowledge. The c.1172delG variant causes a frameshift starting with codon Glycine 391, changes this amino acid to a Valine residue, and creates a premature Stop codon at position 7 of the new reading frame, denoted p.Gly391ValfsX7. This variant is predicted to cause loss of normal protein function either through protein truncation or nonsense-mediated mRNA decay. The c.1172delG variant is not observed in large population cohorts (Lek et al., 2016). We interpret c.1172delG as a pathogenic variant.

Literature cited by the submitters: PubMed 16080123 (cited by Labcorp Genetics (formerly Invitae), Labcorp); PubMed 24762113 (cited by Labcorp Genetics (formerly Invitae), Labcorp); PubMed 35001504 (cited by Labcorp Genetics (formerly Invitae), Labcorp).

NM_001369268.1(ACAN):c.1172del (p.Gly391fs)

Gene: ACAN (aggrecan; plus strand). Cytogenetic location: 15q26.1.
Variant type: Deletion.
Coding change: c.1172del on transcript NM_001369268.1 (MANE Select); coding-DNA position 1172, one base deleted (G; older notation c.1172delG).
Protein change: p.Gly391fs; shifts the reading frame from glycine 391.
Molecular consequence: frameshift variant.
Genome position (GRCh38, 1-based): chr15:88,845,625, G deleted; the last of 3 consecutive G bases (chr15:88,845,623-88,845,625); deleting any one gives the same sequence. VCF-style (leftmost placement, unchanged base first): chr15-88845622-AG-A. GRCh37 (hg19) VCF-style: chr15-89388853-AG-A.
Other names: c.1172delG (NM_013227.3); c.1172del, p.Gly391fs (NM_001135.4, NM_013227.4); short protein forms G391fs.
Identifiers: ClinVar variation 817500 (VCV000817500.3), dbSNP rs1596136784, ClinGen allele CA915946101.